The following is an entry in ClinVar:

NM_006235.3(POU2AF1):c.147+90_147+91dup

Gene: POU2AF1 (POU class 2 homeobox associating factor 1; minus strand). Cytogenetic location: 11q23.1.
Variant type: Duplication.
Coding change: c.147+90_147+91dup on transcript NM_006235.3 (MANE Select); bases 90 to 91 of the intron after coding-DNA position 147, 2 bases duplicated (AG; older notation c.147+90_147+91dupAG).
Molecular consequence: intron variant.
Genome position (GRCh38, 1-based): chr11:111,358,697-111,358,698, CT duplicated on the plus strand (AG on the coding strand, the reverse complement: POU2AF1 is on the minus strand); duplicating any 2 consecutive bases within chr11:111,358,697-111,358,699 gives the same sequence; the c. name uses the placement nearest the transcript's 3' end. VCF-style (leftmost placement, unchanged base first): chr11-111358696-A-ACT. GRCh37 (hg19) VCF-style: chr11-111229421-A-ACT.
Identifiers: ClinVar variation 2688270 (VCV002688270.2), dbSNP rs71057061, ClinGen allele CA228468980.
Genomic context (GRCh38, chr11:111,358,696, plus strand): 5'-ACACTATCACACTCTCACACACTCTATCACACACAAACACATACACACACGCATACACAT[A>ACT]CTCACACACACATACACTCTCACACTATCCCTGACACACACATTCTCTTTCACACACACA-3'

ClinVar aggregate classification (germline): Benign (1 of 4 stars; one submission).

Submission:

Unidad de Genómica Garrahan, Hospital de Pediatría Garrahan
Classification: Benign. Last evaluated: 2024-01-24. Review status: criteria provided, single submitter. Criteria: ACMG Guidelines, 2015. Collection method: clinical testing. Allele origin: germline. Affected: no. Observed: 26 variant alleles.
Comment: This variant is classified as Benign based on local population frequency. This variant was detected in 27% of patients studied by a panel of primary immunodeficiencies. Number of patients: 26. Only high quality variants are reported.